The following is an entry in ClinVar:

NM_001377458.1(CLCC1):c.518G>T (p.Arg173Leu)

Gene: CLCC1 (chloride channel CLIC like 1; minus strand). Cytogenetic location: 1p13.3.
Variant type: single nucleotide variant.
Coding change: c.518G>T on transcript NM_001377458.1 (MANE Select); coding-DNA position 518, G replaced by T.
Protein change: p.Arg173Leu; replaces arginine 173 with leucine.
Molecular consequence: missense variant. On other transcripts: non-coding transcript variant (1), intron variant (2).
Genome position (GRCh38, 1-based): chr1:108,943,879, C>A on the plus strand (G>T on the coding strand, the complement: CLCC1 is on the minus strand). VCF-style: chr1-108943879-C-A. GRCh37 (hg19) VCF-style: chr1-109486501-C-A.
Other names: c.518G>T, p.Arg173Leu (NM_001048210.3, NM_001377459.1, NM_001377460.1 and 8 more transcripts); c.416G>T, p.Arg139Leu (NM_001377469.1); c.227G>T, p.Arg76Leu (NM_001377470.1); c.368G>T, p.Arg123Leu (NM_015127.5); c.340-2381G>T (NM_001278202.2); c.339+3732G>T (NM_001278203.1); short protein forms R139L, R76L, R173L, R123L.
Identifiers: ClinVar variation 957798 (VCV000957798.6), dbSNP rs764536408, ClinGen allele CA341463424.

ClinVar aggregate classification (germline): Uncertain significance (1 of 4 stars; one submission).

Allele frequency attached by ClinVar (database versions not stated): gnomAD 0.00001.
gnomAD v4.1: 2 of 1,613,794 alleles (0.00012%); highest among the groups gnomAD compares: African/African-American, 0.0013%; no homozygotes.

Submission:

Labcorp Genetics (formerly Invitae), Labcorp
Classification: Uncertain significance. Last evaluated: 2019-10-15. Review status: criteria provided, single submitter. Criteria: Invitae Variant Classification Sherloc (09022015). Collection method: clinical testing. Allele origin: germline.
Comment: This sequence change replaces arginine with leucine at codon 173 of the CLCC1 protein (p.Arg173Leu). The arginine residue is moderately conserved and there is a moderate physicochemical difference between arginine and leucine. In summary, the available evidence is currently insufficient to determine the role of this variant in disease. Therefore, it has been classified as a Variant of Uncertain Significance. Algorithms developed to predict the effect of missense changes on protein structure and function (SIFT, PolyPhen-2, Align-GVGD) all suggest that this variant is likely to be disruptive, but these predictions have not been confirmed by published functional studies and their clinical significance is uncertain. This variant has not been reported in the literature in individuals with CLCC1-related conditions. This variant is not present in population databases (ExAC no frequency).